The following is an entry in ClinVar:

ClinVar aggregate classification (germline): Uncertain significance. Review status: criteria provided, multiple submitters, no conflicts (2 of 4 stars). 2 submissions from 2 submitters: Uncertain significance (2). Last evaluated 2022-09-01.

Conditions:
Microcephaly 2, primary, autosomal recessive, with or without cortical malformations. Also called: WDR62 Primary Microcephaly; MICROCEPHALY 2, PRIMARY, AUTOSOMAL RECESSIVE, WITH CORTICAL MALFORMATIONS. Identifiers: Orphanet 2512, MedGen C1858535, MONDO:0011435, OMIM 604317.

Allele frequency attached by ClinVar (database versions not stated): gnomAD exomes below 0.00001 and 0.00001; TOPMed below 0.00001; ExAC 0.00001.
gnomAD v4.1: 13 of 1,612,794 alleles (0.00081%); highest among the groups gnomAD compares: Admixed American, 0.005%; no homozygotes.

Submissions (2):

Labcorp Genetics (formerly Invitae), Labcorp
Classification: Uncertain significance. Last evaluated: 2022-09-01. Review status: criteria provided, single submitter. Criteria: Invitae Variant Classification Sherloc (09022015). Collection method: clinical testing. Allele origin: germline.
Comment: This sequence change falls in intron 26 of the WDR62 gene. It does not directly change the encoded amino acid sequence of the WDR62 protein. This variant is present in population databases (rs766253275, gnomAD 0.003%). This variant has not been reported in the literature in individuals affected with WDR62-related conditions. ClinVar contains an entry for this variant (Variation ID: 888881). Algorithms developed to predict the effect of sequence changes on RNA splicing suggest that this variant may create or strengthen a splice site. In summary, the available evidence is currently insufficient to determine the role of this variant in disease. Therefore, it has been classified as a Variant of Uncertain Significance.

Illumina Laboratory Services, Illumina
Classification: Uncertain significance for Microcephaly 2, primary, autosomal recessive, with or without cortical malformations. Last evaluated: 2018-01-13. Review status: criteria provided, single submitter. Criteria: ICSL Variant Classification Criteria 13 December 2019. Collection method: clinical testing. Allele origin: germline.

NM_001083961.2(WDR62):c.3221-15G>A

Gene: WDR62 (WD repeat domain 62; plus strand). Cytogenetic location: 19q13.12.
Variant type: single nucleotide variant.
Coding change: c.3221-15G>A on transcript NM_001083961.2 (MANE Select); 15 bases into the intron before coding-DNA position 3221, G replaced by A.
Molecular consequence: intron variant.
Genome position (GRCh38, 1-based): chr19:36,102,722, G>A. VCF-style: chr19-36102722-G-A. GRCh37 (hg19) VCF-style: chr19-36593624-G-A.
Other names: c.3221-30G>A (NM_173636.5).
Identifiers: ClinVar variation 888881 (VCV000888881.8), dbSNP rs766253275, ClinGen allele CA9396216.